The following is an entry in ClinVar:

NM_144687.4(NLRP12):c.1151C>G (p.Ala384Gly)

Gene: NLRP12 (NLR family pyrin domain containing 12; minus strand). Cytogenetic location: 19q13.42.
Variant type: single nucleotide variant.
Coding change: c.1151C>G on transcript NM_144687.4 (MANE Select); coding-DNA position 1151, C replaced by G.
Protein change: p.Ala384Gly; replaces alanine 384 with glycine.
Molecular consequence: missense variant.
Genome position (GRCh38, 1-based): chr19:53,810,508, G>C on the plus strand (C>G on the coding strand, the complement: NLRP12 is on the minus strand). VCF-style: chr19-53810508-G-C. GRCh37 (hg19) VCF-style: chr19-54313762-G-C.
Other names: c.1151C>G, p.Ala384Gly (NM_001277126.2, NM_001277129.1); short protein forms A384G.
Identifiers: ClinVar variation 2704411 (VCV002704411.3), dbSNP rs1006682366, ClinGen allele CA407414679.

ClinVar aggregate classification (germline): Uncertain significance (1 of 4 stars; one submission).

Conditions:
Familial cold autoinflammatory syndrome 2 (FCAS2). Identifiers: Orphanet 247868, MedGen C2673198, MONDO:0012724, OMIM 611762.

Submission:

Labcorp Genetics (formerly Invitae), Labcorp
Classification: Uncertain significance for Familial cold autoinflammatory syndrome 2. Last evaluated: 2023-12-20. Review status: criteria provided, single submitter. Criteria: Invitae Variant Classification Sherloc (09022015). Collection method: clinical testing. Allele origin: germline.
Comment: This sequence change replaces alanine, which is neutral and non-polar, with glycine, which is neutral and non-polar, at codon 384 of the NLRP12 protein (p.Ala384Gly). This variant is not present in population databases (gnomAD no frequency). This variant has not been reported in the literature in individuals affected with NLRP12-related conditions. Advanced modeling of protein sequence and biophysical properties (such as structural, functional, and spatial information, amino acid conservation, physicochemical variation, residue mobility, and thermodynamic stability) performed at Invitae indicates that this missense variant is not expected to disrupt NLRP12 protein function with a negative predictive value of 80%. In summary, the available evidence is currently insufficient to determine the role of this variant in disease. Therefore, it has been classified as a Variant of Uncertain Significance.